The following is an entry in ClinVar:

NC_000005.10:g.14303100_14466690del

Genes: SNORD170 (small nucleolar RNA, C/D box 170; plus strand), TRIO (trio Rho guanine nucleotide exchange factor; plus strand), LOC123493270 (Sharpr-MPRA regulatory region 14564; plus strand), LOC126807321 (BRD4-independent group 4 enhancer GRCh37_chr5:14399912-14401111; plus strand), LOC126807322 (P300/CBP strongly-dependent group 1 enhancer GRCh37_chr5:14406263-14407462; plus strand) and 4 more. Cytogenetic location: 5p15.2.
Variant type: Deletion.
Identifiers: ClinVar variation 4891256 (VCV004891256.1).

ClinVar aggregate classification (germline): Likely pathogenic (1 of 4 stars; one submission).

Conditions:
Intellectual developmental disorder, autosomal dominant 44, with microcephaly. Also called: Micrognathia-recurrent infections-behavioral abnormalities-mild intellectual disability syndrome; TRIO-Related Intellectual Disability. Identifiers: Orphanet 476126, MedGen C4310740, MONDO:0014892, OMIM 617061.

Submission:

Clinical Genetics Laboratory, University Hospital Schleswig-Holstein
Classification: Likely pathogenic for Intellectual developmental disorder, autosomal dominant 44, with microcephaly. Last evaluated: 2025-10-22. Review status: criteria provided, single submitter. Criteria: ACMG Guidelines, 2015. Collection method: clinical testing. Allele origin: germline. Affected: yes. Observed: 1 heterozygote.
Comment: ACMG criteria applied: PM2, PVS1_Strong